The following is an entry in ClinVar:

ClinVar aggregate classification (germline): Likely benign. Review status: criteria provided, multiple submitters, no conflicts (2 of 4 stars). 6 submissions from 6 submitters: Likely benign (5). 1 of the submissions does not count toward it. Last evaluated 2026-05-01.

Conditions:
LPIN2-related disorder. Also called: LPIN2-related condition.
Autoinflammatory syndrome. Identifiers: Orphanet 93665, MedGen C3890737, MONDO:0019751.
Majeed syndrome (MJDS). Also called: CHRONIC RECURRENT MULTIFOCAL OSTEOMYELITIS 1, WITH CONGENITAL DYSERYTHROPOIETIC ANEMIA, WITH OR WITHOUT NEUTROPHILIC DERMATOSIS; LPIN2-Related Majeed Syndrome. Identifiers: Orphanet 77297, MedGen C1864997, MONDO:0012316, OMIM 609628.

Allele frequency attached by ClinVar (database versions not stated): 1000 Genomes Project 30x 0.00031; 1000 Genomes Project 0.00040; gnomAD 0.00053 and 0.00057; TOPMed 0.00055; ESP Exome Variant Server 0.00077; gnomAD exomes 0.00005 and 0.00011; ExAC 0.00013.
gnomAD v4.1: 158 of 1,613,942 alleles (0.0098%); highest among the groups gnomAD compares: African/African-American, 0.19%; 1 homozygote.

Submissions (6):

CeGaT Center for Human Genetics Tuebingen
Classification: Likely benign. Last evaluated: 2026-05-01. Review status: criteria provided, single submitter. Criteria: CeGaT Center For Human Genetics Tuebingen Variant Classification Criteria Version 2. Collection method: clinical testing. Allele origin: germline. Affected: yes. Observed: 1 variant allele.
Comment: LPIN2: BP4, BP7

Women's Health and Genetics/Laboratory Corporation of America, LabCorp
Classification: Likely benign. Last evaluated: 2026-04-06. Review status: criteria provided, single submitter. Criteria: LabCorp Variant Classification Summary - May 2015. Collection method: clinical testing. Allele origin: germline.

Labcorp Genetics (formerly Invitae), Labcorp
Classification: Likely benign for Majeed syndrome. Last evaluated: 2026-01-26. Review status: criteria provided, single submitter. Criteria: Invitae Variant Classification Sherloc (09022015). Collection method: clinical testing. Allele origin: germline.

Blueprint Genetics
Classification: Likely benign. Last evaluated: 2024-08-16. Review status: criteria provided, single submitter. Criteria: ACMG Guidelines, 2015. Collection method: clinical testing. Allele origin: germline.

Genome Diagnostics Laboratory, The Hospital for Sick Children
Classification: Likely benign for Autoinflammatory syndrome. Last evaluated: 2019-10-01. Review status: criteria provided, single submitter. Criteria: ACMG Guidelines, 2015. Collection method: clinical testing. Allele origin: germline. Affected: yes.

PreventionGenetics, part of Exact Sciences
Classification: Likely benign for LPIN2-related condition. Last evaluated: 2019-04-04. Review status: no assertion criteria provided. Collection method: clinical testing. Allele origin: germline. Not counted in ClinVar's aggregate classification.
Comment: This variant is classified as likely benign based on ACMG/AMP sequence variant interpretation guidelines (Richards et al. 2015 PMID: 25741868, with internal and published modifications).

NM_001375808.2(LPIN2):c.2583C>T (p.Phe861=)

Gene: LPIN2 (lipin 2; minus strand). Cytogenetic location: 18p11.31.
Variant type: single nucleotide variant.
Coding change: c.2583C>T on transcript NM_001375808.2 (MANE Select); coding-DNA position 2583, C replaced by T.
Protein change: p.Phe861=; no amino-acid change (phenylalanine 861 retained).
Molecular consequence: synonymous variant.
Genome position (GRCh38, 1-based): chr18:2,920,401, G>A on the plus strand (C>T on the coding strand, the complement: LPIN2 is on the minus strand). VCF-style: chr18-2920401-G-A. GRCh37 (hg19) VCF-style: chr18-2920399-G-A.
Other names: c.2583C>T, p.Phe861= (NM_001375809.1, NM_014646.2).
Identifiers: ClinVar variation 536356 (VCV000536356.21), dbSNP rs141043192, ClinGen allele CA8872659.